The following is an entry in ClinVar:

ClinVar aggregate classification (germline): Conflicting classifications of pathogenicity. Review status: criteria provided, conflicting classifications (1 of 4 stars). 5 submissions from 5 submitters: Uncertain significance (1); Likely benign (3). 1 of the submissions does not count toward it. Last evaluated 2025-02-12.

Conditions:
Hypertrophic cardiomyopathy. Also called: HYPERTROPHIC MYOCARDIOPATHY. Identifiers: Orphanet 217569, MedGen C0007194, MeSH D002312, MONDO:0005045, HP:0001639.
Cardiovascular phenotype. Identifiers: MedGen CN230736.
JPH2-related disorder. Also called: JPH2-related condition.

Allele frequency attached by ClinVar (database versions not stated): gnomAD 0.00001; ExAC 0.00002; TOPMed 0.00002.
gnomAD v4.1: 44 of 1,579,534 alleles (0.0028%); highest among the groups gnomAD compares: Non-Finnish European, 0.0037%; no homozygotes.

Submissions (5):

Labcorp Genetics (formerly Invitae), Labcorp
Classification: Likely benign for Hypertrophic cardiomyopathy. Last evaluated: 2025-02-12. Review status: criteria provided, single submitter. Criteria: Invitae Variant Classification Sherloc (09022015). Collection method: clinical testing. Allele origin: germline.

Ambry Genetics
Classification: Likely benign for Cardiovascular phenotype. Last evaluated: 2022-11-04. Review status: criteria provided, single submitter. Criteria: Ambry Variant Classification Scheme 2023. Collection method: clinical testing. Allele origin: germline.

Blueprint Genetics
Classification: Likely benign. Last evaluated: 2022-06-02. Review status: criteria provided, single submitter. Criteria: ACMG Guidelines, 2015. Collection method: clinical testing. Allele origin: germline.

Revvity Omics, Revvity
Classification: Uncertain significance. Last evaluated: 2022-02-07. Review status: criteria provided, single submitter. Criteria: ACMG Guidelines, 2015. Collection method: clinical testing. Allele origin: germline.

PreventionGenetics, part of Exact Sciences
Classification: Likely benign for JPH2-related condition. Last evaluated: 2020-09-03. Review status: no assertion criteria provided. Collection method: clinical testing. Allele origin: germline. Not counted in ClinVar's aggregate classification.
Comment: This variant is classified as likely benign based on ACMG/AMP sequence variant interpretation guidelines (Richards et al. 2015 PMID: 25741868, with internal and published modifications).

NM_020433.5(JPH2):c.1674G>A (p.Pro558=)

Gene: JPH2 (junctophilin 2; minus strand). Cytogenetic location: 20q13.12.
Variant type: single nucleotide variant.
Coding change: c.1674G>A on transcript NM_020433.5 (MANE Select); coding-DNA position 1674, G replaced by A.
Protein change: p.Pro558=; no amino-acid change (proline 558 retained).
Molecular consequence: synonymous variant.
Genome position (GRCh38, 1-based): chr20:44,116,001, C>T on the plus strand (G>A on the coding strand, the complement: JPH2 is on the minus strand). VCF-style: chr20-44116001-C-T. GRCh37 (hg19) VCF-style: chr20-42744641-C-T.
Identifiers: ClinVar variation 2432948 (VCV002432948.9), dbSNP rs779915700, ClinGen allele CA9868638.
Genomic context (GRCh38, chr20:44,116,001, plus strand): 5'-GGGCTCGGGCGGCGTGGTGCGCACAGCATAGCTGTGGTAGCCCTGGTAAAGCGCCACCTC[C>T]GGCTCCCGCGACGGCGCAGGCGGTGCCTGCAGAGCCTCGATGGCCATGCGCTCGGTGGCT-3'
Protein context (NP_065166.2, residues 548-568): LQAPPAPSRE[Pro558=]EVALYQGYHS